The following is an entry in ClinVar:

ClinVar aggregate classification (germline): Pathogenic/Likely pathogenic. Review status: criteria provided, multiple submitters, no conflicts (2 of 4 stars). 4 submissions from 4 submitters: Pathogenic (3); Likely pathogenic (1). Last evaluated 2024-06-27.

Conditions:
Hereditary cancer-predisposing syndrome. Also called: Hereditary neoplastic syndrome; Tumor predisposition; Neoplastic Syndromes, Hereditary; Hereditary Cancer Syndrome. Identifiers: Orphanet 140162, MedGen C0027672, MeSH D009386, MONDO:0015356.
Familial cancer of breast. Also called: Hereditary breast cancer; BREAST CANCER, FAMILIAL; hereditary breast carcinoma. Identifiers: Orphanet 227535, MedGen C0346153, MONDO:0016419, OMIM 114480. Disease mechanism: loss of function.

Submissions (4):

Ambry Genetics
Classification: Pathogenic for Hereditary cancer-predisposing syndrome. Last evaluated: 2024-06-27. Review status: criteria provided, single submitter. Criteria: Ambry Variant Classification Scheme 2023. Collection method: clinical testing. Allele origin: germline.
Comment: The c.1142_1143insA pathogenic mutation, located in coding exon 10 of the CHEK2 gene, results from an insertion of one nucleotide at position 1142, causing a translational frameshift with a predicted alternate stop codon (p.M381Ifs*14). This variant was identified in a cohort of 4439 women with ovarian cancer undergoing multigene panel testing at one laboratory (Carter NJ et al. Gynecol Oncol, 2018 12;151:481-488). This variant is considered to be rare based on population cohorts in the Genome Aggregation Database (gnomAD). In addition to the clinical data presented in the literature, this alteration is expected to result in loss of function by premature protein truncation or nonsense-mediated mRNA decay. As such, this alteration is interpreted as a disease-causing mutation.

Labcorp Genetics (formerly Invitae), Labcorp
Classification: Pathogenic for Familial cancer of breast. Last evaluated: 2024-04-07. Review status: criteria provided, single submitter. Criteria: Invitae Variant Classification Sherloc (09022015). Collection method: clinical testing. Allele origin: germline.
Comment: This sequence change creates a premature translational stop signal (p.Met381Ilefs*14) in the CHEK2 gene. It is expected to result in an absent or disrupted protein product. Loss-of-function variants in CHEK2 are known to be pathogenic (PMID: 21876083, 24713400). This variant is not present in population databases (gnomAD no frequency). This premature translational stop signal has been observed in individual(s) with ovarian cancer (PMID: 30322717). ClinVar contains an entry for this variant (Variation ID: 421183). Algorithms developed to predict the effect of sequence changes on RNA splicing suggest that this variant may disrupt the consensus splice site. For these reasons, this variant has been classified as Pathogenic.

Myriad Genetics, Inc.
Classification: Pathogenic for Familial cancer of breast. Last evaluated: 2023-06-28. Review status: criteria provided, single submitter. Criteria: Myriad Autosomal Dominant, Autosomal Recessive and X-Linked Classification Criteria (2023). Collection method: clinical testing. Allele origin: unknown.
Comment: This variant is considered pathogenic. This variant creates a frameshift predicted to result in premature protein truncation.

GeneDx
Classification: Likely pathogenic. Last evaluated: 2023-01-25. Review status: criteria provided, single submitter. Criteria: GeneDx Variant Classification Process June 2021. Collection method: clinical testing. Allele origin: germline. Affected: yes.
Comment: Frameshift variant predicted to result in protein truncation or nonsense mediated decay in a gene for which loss of function is a known mechanism of disease; Not observed at significant frequency in large population cohorts (gnomAD); This variant is associated with the following publications: (PMID: 30322717, 32805687)

Literature cited by the submitters: PubMed 30322717 (cited by Ambry Genetics and Labcorp Genetics (formerly Invitae), Labcorp); PubMed 21876083 (cited by Labcorp Genetics (formerly Invitae), Labcorp); PubMed 24713400 (cited by Labcorp Genetics (formerly Invitae), Labcorp).

NM_007194.4(CHEK2):c.1142_1143insA (p.Met381fs)

Gene: CHEK2 (checkpoint kinase 2; minus strand). Cytogenetic location: 22q12.1.
Variant type: Insertion.
Coding change: c.1142_1143insA on transcript NM_007194.4 (MANE Select); coding-DNA positions 1142 to 1143, A inserted.
Protein change: p.Met381fs; shifts the reading frame from methionine 381.
Molecular consequence: frameshift variant.
Genome position: GRCh38 VCF-style: chr22-28695826-C-CT. GRCh37 (hg19) VCF-style: chr22-29091814-C-CT.
Other names: c.1271_1272insA, p.Met424Ilefs (NM_001005735.3); c.479_480insA, p.Met160Ilefs (NM_001257387.3); c.941_942insA, p.Met314Ilefs (NM_001349956.3); c.1055_1056insA, p.Met352Ilefs (NM_145862.3); short protein forms M314fs, M352fs, M160fs, M381fs, M424fs.
Identifiers: ClinVar variation 421183 (VCV000421183.12), dbSNP rs1064794965, ClinGen allele CA16621055.